The following is an entry in ClinVar:

NM_002354.3(EPCAM):c.392C>T (p.Thr131Ile)

Gene: EPCAM (epithelial cell adhesion molecule; plus strand). Cytogenetic location: 2p21.
Variant type: single nucleotide variant.
Coding change: c.392C>T on transcript NM_002354.3 (MANE Select); coding-DNA position 392, C replaced by T.
Protein change: p.Thr131Ile; replaces threonine 131 with isoleucine.
Molecular consequence: missense variant.
Genome position (GRCh38, 1-based): chr2:47,374,015, C>T. VCF-style: chr2-47374015-C-T. GRCh37 (hg19) VCF-style: chr2-47601154-C-T.
Other names: short protein forms T131I.
Identifiers: ClinVar variation 1736255 (VCV001736255.3), dbSNP rs748892317, ClinGen allele CA346723449.

ClinVar aggregate classification (germline): Uncertain significance (1 of 4 stars; one submission).

Conditions:
Hereditary cancer-predisposing syndrome. Also called: Neoplastic Syndromes, Hereditary; Tumor predisposition; Hereditary Cancer Syndrome; Hereditary neoplastic syndrome. Identifiers: Orphanet 140162, MedGen C0027672, MeSH D009386, MONDO:0015356.

gnomAD v4.1: 3 of 1,614,056 alleles (0.00019%); highest among the groups gnomAD compares: African/African-American, 0.0027%; no homozygotes.

Submission:

Ambry Genetics
Classification: Uncertain significance for Hereditary cancer-predisposing syndrome. Last evaluated: 2024-11-02. Review status: criteria provided, single submitter. Criteria: Ambry Variant Classification Scheme 2023. Collection method: clinical testing. Allele origin: germline.
Comment: The p.T131I variant (also known as c.392C>T), located in coding exon 3 of the EPCAM gene, results from a C to T substitution at nucleotide position 392. The threonine at codon 131 is replaced by isoleucine, an amino acid with similar properties. This amino acid position is conserved. In addition, this alteration is predicted to be tolerated by in silico analysis. Since supporting evidence is limited at this time, the clinical significance of this alteration remains unclear.